The following is an entry in ClinVar:

NM_004044.7(ATIC):c.224-8T>A

Gene: ATIC (5-aminoimidazole-4-carboxamide ribonucleotide formyltransferase/IMP cyclohydrolase; plus strand). Cytogenetic location: 2q35.
Variant type: single nucleotide variant.
Coding change: c.224-8T>A on transcript NM_004044.7 (MANE Select); 8 bases into the intron before coding-DNA position 224, T replaced by A.
Molecular consequence: intron variant.
Genome position (GRCh38, 1-based): chr2:215,319,657, T>A. VCF-style: chr2-215319657-T-A. GRCh37 (hg19) VCF-style: chr2-216184380-T-A.
Identifiers: ClinVar variation 772858 (VCV000772858.14), dbSNP rs114443266, ClinGen allele CA2092848.

ClinVar aggregate classification (germline): Benign. Review status: criteria provided, multiple submitters, no conflicts (2 of 4 stars). 3 submissions from 3 submitters: Benign (2). 1 of the submissions does not count toward it. Last evaluated 2025-12-17.

Conditions:
ATIC-related disorder. Also called: ATIC-related condition.

Allele frequency attached by ClinVar (database versions not stated): gnomAD exomes 0.00029 and 0.00061; ExAC 0.00065; 1000 Genomes Project 0.00160; 1000 Genomes Project 30x 0.00172; gnomAD 0.00191 and 0.00210; ESP Exome Variant Server 0.00208; TOPMed 0.00244.
gnomAD v4.1: 722 of 1,603,986 alleles (0.045%); highest among the groups gnomAD compares: African/African-American, 0.74%; 4 homozygotes.

Submissions (7):

Labcorp Genetics (formerly Invitae), Labcorp
Classification: Benign. Last evaluated: 2025-12-17. Review status: criteria provided, single submitter. Criteria: Invitae Variant Classification Sherloc (09022015). Collection method: clinical testing. Allele origin: germline.

Breakthrough Genomics
Classification: Benign. Review status: criteria provided, single submitter. Criteria: ACMG Guidelines, 2015. Collection method: not provided. Allele origin: germline. Inheritance: Autosomal recessive inheritance. Affected: yes.

PreventionGenetics, part of Exact Sciences
Classification: Benign for ATIC-related condition. Last evaluated: 2020-01-22. Review status: no assertion criteria provided. Collection method: clinical testing. Allele origin: germline. Not counted in ClinVar's aggregate classification.
Comment: This variant is classified as benign based on ACMG/AMP sequence variant interpretation guidelines (Richards et al. 2015 PMID: 25741868, with internal and published modifications).

Dr. Peter K. Rogan Lab, Western University
No classification provided (evidence only). Condition: Clear cell carcinoma of kidney. Review status: no classification provided. Collection method: in vitro. Allele origin: not applicable. Functional consequence: skipped exon. Not counted in ClinVar's aggregate classification.

Dr. Peter K. Rogan Lab, Western University
No classification provided (evidence only). Condition: Cervical cancer. Review status: no classification provided. Collection method: in vitro. Allele origin: not applicable. Functional consequence: skipped exon. Not counted in ClinVar's aggregate classification.

Dr. Peter K. Rogan Lab, Western University
No classification provided (evidence only). Condition: Cervical cancer. Review status: no classification provided. Collection method: in vitro. Allele origin: not applicable. Functional consequence: skipped exon. Not counted in ClinVar's aggregate classification.

Dr. Peter K. Rogan Lab, Western University
No classification provided (evidence only). Condition: Sarcoma. Review status: no classification provided. Collection method: in vitro. Allele origin: not applicable. Functional consequence: retained intron. Not counted in ClinVar's aggregate classification.